The following is an entry in ClinVar:

NM_000256.3(MYBPC3):c.292+6A>C

Gene: MYBPC3 (myosin binding protein C3; minus strand). Cytogenetic location: 11p11.2.
Variant type: single nucleotide variant.
Coding change: c.292+6A>C on transcript NM_000256.3 (MANE Select); 6 bases into the intron after coding-DNA position 292, A replaced by C.
Molecular consequence: intron variant.
Genome position (GRCh38, 1-based): chr11:47,351,233, T>G on the plus strand (A>C on the coding strand, the complement: MYBPC3 is on the minus strand). VCF-style: chr11-47351233-T-G. GRCh37 (hg19) VCF-style: chr11-47372784-T-G.
Identifiers: ClinVar variation 2773772 (VCV002773772.2), dbSNP rs1387341456, ClinGen allele CA599374206.
Genomic context (GRCh38, chr11:47,351,233, plus strand): 5'-GGAGAGTCGCTGGGCTGCCCCTCCCCCAGCAGCCCAAACCTCAGGGAAGGCTGATCAGGA[T>G]CTTACCTGCCTCTATGACCTTGAGGTCGAACTTGACCTTGGAGGAGCCAGCAATGACTGC-3'

ClinVar aggregate classification (germline): Uncertain significance (1 of 4 stars; one submission).

Conditions:
Cardiomyopathy (CMYO). Also called: Cardiomyopathies. Identifiers: Orphanet 167848, MedGen C0878544, MONDO:0004994, HP:0001638. Inheritance: Various modes of inheritance.

gnomAD v4.1: 2 of 1,511,828 alleles (0.00013%); highest among the groups gnomAD compares: South Asian, 0.0025%; no homozygotes.

Submission:

Color Diagnostics, LLC DBA Color Health
Classification: Uncertain significance for Cardiomyopathy. Last evaluated: 2022-01-24. Review status: criteria provided, single submitter. Criteria: ACMG Guidelines, 2015. Collection method: clinical testing. Allele origin: germline.
Comment: This variant causes an A to C nucleotide substitution at the +6 position of intron 2 of the MYBPC3 gene. Splice prediction tools and conservation analysis are inconclusive regarding the impact of this variant on RNA splicing. To our knowledge, functional studies have not been reported for this variant. This variant has not been reported in individuals affected with cardiovascular disorders in the literature. This variant has not been identified in the general population by the Genome Aggregation Database (gnomAD). The available evidence is insufficient to determine the role of this variant in disease conclusively. Therefore, this variant is classified as a Variant of Uncertain Significance.